The following is an entry in ClinVar:

ClinVar aggregate classification (germline): Uncertain significance. Review status: criteria provided, multiple submitters, no conflicts (2 of 4 stars). 2 submissions from 2 submitters: Uncertain significance (2). Last evaluated 2024-03-07.

Conditions:
Hereditary nonpolyposis colorectal neoplasms. Identifiers: MedGen C0009405, MeSH D003123.
Hereditary cancer-predisposing syndrome. Also called: Tumor predisposition; Hereditary Cancer Syndrome; Hereditary neoplastic syndrome; Neoplastic Syndromes, Hereditary. Identifiers: Orphanet 140162, MedGen C0027672, MeSH D009386, MONDO:0015356.

Submissions (2):

Color Diagnostics, LLC DBA Color Health
Classification: Uncertain significance for Hereditary cancer-predisposing syndrome. Last evaluated: 2024-03-07. Review status: criteria provided, single submitter. Criteria: ACMG Guidelines, 2015. Collection method: clinical testing. Allele origin: germline.
Comment: This missense variant replaces threonine with serine at codon 553 of the MSH6 protein. Computational prediction suggests that this variant may not impact protein structure and function (internally defined REVEL score threshold <= 0.5, PMID: 27666373). To our knowledge, functional studies have not been reported for this variant. This variant has not been reported in individuals affected with hereditary cancer in the literature. This variant has not been identified in the general population by the Genome Aggregation Database (gnomAD). The available evidence is insufficient to determine the role of this variant in disease conclusively. Therefore, this variant is classified as a Variant of Uncertain Significance.

Labcorp Genetics (formerly Invitae), Labcorp
Classification: Uncertain significance for Hereditary nonpolyposis colorectal neoplasms. Last evaluated: 2023-07-06. Review status: criteria provided, single submitter. Criteria: Invitae Variant Classification Sherloc (09022015). Collection method: clinical testing. Allele origin: germline.
Comment: In summary, the available evidence is currently insufficient to determine the role of this variant in disease. Therefore, it has been classified as a Variant of Uncertain Significance. Advanced modeling of protein sequence and biophysical properties (such as structural, functional, and spatial information, amino acid conservation, physicochemical variation, residue mobility, and thermodynamic stability) performed at Invitae indicates that this missense variant is not expected to disrupt MSH6 protein function. ClinVar contains an entry for this variant (Variation ID: 1480628). This variant has not been reported in the literature in individuals affected with MSH6-related conditions. This variant is not present in population databases (gnomAD no frequency). This sequence change replaces threonine, which is neutral and polar, with serine, which is neutral and polar, at codon 553 of the MSH6 protein (p.Thr553Ser).

NM_000179.3(MSH6):c.1657A>T (p.Thr553Ser)

Gene: MSH6 (mutS homolog 6; plus strand). Cytogenetic location: 2p16.3.
Variant type: single nucleotide variant.
Coding change: c.1657A>T on transcript NM_000179.3 (MANE Select); coding-DNA position 1657, A replaced by T.
Protein change: p.Thr553Ser; replaces threonine 553 with serine.
Molecular consequence: missense variant.
Genome position (GRCh38, 1-based): chr2:47,799,640, A>T. VCF-style: chr2-47799640-A-T. GRCh37 (hg19) VCF-style: chr2-48026779-A-T.
Other names: c.1267A>T, p.Thr423Ser (NM_001281492.2); c.751A>T, p.Thr251Ser (NM_001281493.2, NM_001281494.2); short protein forms T251S, T423S, T553S.
Identifiers: ClinVar variation 1480628 (VCV001480628.10), dbSNP rs1294509946, ClinGen allele CA346747313.
Genomic context (GRCh38, chr2:47,799,640, plus strand): 5'-GAGAACTACAGTAAGTATCTTCTTAGCCTCAAAGAAAAAGAGGAAGATTCTTCTGGCCAT[A>T]CTCGTGCATATGGTGTGTGCTTTGTTGATACTTCACTGGGAAAGTTTTTCATAGGTCAGT-3'
Protein context (NP_000170.1, residues 543-563): KEKEEDSSGH[Thr553Ser]RAYGVCFVDT